The following is an entry in ClinVar:

ClinVar aggregate classification (germline): Uncertain significance (1 of 4 stars; one submission).

Conditions:
Glycogen storage disease IXb (GSD9B). Also called: GLYCOGENOSIS OF LIVER AND MUSCLE, AUTOSOMAL RECESSIVE; GSD IXb; PHOSPHORYLASE KINASE DEFICIENCY OF LIVER AND MUSCLE, AUTOSOMAL RECESSIVE. Identifiers: Orphanet 79240, MedGen C0543514, MONDO:0009868, OMIM 261750.

Allele frequency attached by ClinVar (database versions not stated): gnomAD exomes below 0.00001 and 0.00001; ExAC 0.00001.
gnomAD v4.1: 12 of 1,605,160 alleles (0.00075%); highest among the groups gnomAD compares: East Asian, 0.0022%; no homozygotes.

Submission:

Labcorp Genetics (formerly Invitae), Labcorp
Classification: Uncertain significance for Glycogen storage disease IXb. Last evaluated: 2024-01-29. Review status: criteria provided, single submitter. Criteria: Invitae Variant Classification Sherloc (09022015). Collection method: clinical testing. Allele origin: germline.
Comment: This sequence change replaces tyrosine, which is neutral and polar, with cysteine, which is neutral and slightly polar, at codon 129 of the PHKB protein (p.Tyr129Cys). This variant is present in population databases (rs774882825, gnomAD 0.002%). This variant has not been reported in the literature in individuals affected with PHKB-related conditions. ClinVar contains an entry for this variant (Variation ID: 1466704). An algorithm developed to predict the effect of missense changes on protein structure and function (PolyPhen-2) suggests that this variant¬†is likely to be tolerated. In summary, the available evidence is currently insufficient to determine the role of this variant in disease. Therefore, it has been classified as a Variant of Uncertain Significance.

NM_000293.3(PHKB):c.386A>G (p.Tyr129Cys)

Gene: PHKB (phosphorylase kinase regulatory subunit beta; plus strand). Cytogenetic location: 16q12.1.
Variant type: single nucleotide variant.
Coding change: c.386A>G on transcript NM_000293.3 (MANE Select); coding-DNA position 386, A replaced by G.
Protein change: p.Tyr129Cys; replaces tyrosine 129 with cysteine.
Molecular consequence: missense variant.
Genome position (GRCh38, 1-based): chr16:47,503,071, A>G. VCF-style: chr16-47503071-A-G. GRCh37 (hg19) VCF-style: chr16-47536982-A-G.
Other names: c.365A>G, p.Tyr122Cys (NM_001031835.3); c.386A>G, p.Tyr129Cys (NM_001363837.1); short protein forms Y129C, Y122C.
Identifiers: ClinVar variation 1466704 (VCV001466704.6), dbSNP rs774882825, ClinGen allele CA8040458.